The following is an entry in ClinVar:

ClinVar aggregate classification (germline): Uncertain significance (1 of 4 stars; one submission).

Conditions:
Neuropathy, hereditary sensory and autonomic, type 2A (HSAN2A). Also called: ACROOSTEOLYSIS, GIACCAI TYPE; ACROOSTEOLYSIS, NEUROGENIC; MORVAN DISEASE; NEUROPATHY, CONGENITAL SENSORY; NEUROPATHY, HEREDITARY SENSORY RADICULAR, AUTOSOMAL RECESSIVE; NEUROPATHY, HEREDITARY SENSORY, TYPE IIA. Identifiers: Orphanet 970, MedGen C2752089, MONDO:0024309, OMIM 201300.
Generalized epilepsy with febrile seizures plus, type 7 (GEFSP7). Also called: GEFS+, TYPE 7. Identifiers: Orphanet 36387, MedGen C2751778, MONDO:0013470, OMIM 613863.

Allele frequency attached by ClinVar (database versions not stated): gnomAD exomes 0.00001; gnomAD 0.00003.
gnomAD v4.1: 7 of 1,612,130 alleles (0.00043%); highest among the groups gnomAD compares: Non-Finnish European, 0.00051%; no homozygotes.

Submission:

Labcorp Genetics (formerly Invitae), Labcorp
Classification: Uncertain significance for Neuropathy, hereditary sensory and autonomic, type 2A; Generalized epilepsy with febrile seizures plus, type 7. Last evaluated: 2024-02-26. Review status: criteria provided, single submitter. Criteria: Invitae Variant Classification Sherloc (09022015). Collection method: clinical testing. Allele origin: germline.
Comment: This sequence change replaces valine, which is neutral and non-polar, with glycine, which is neutral and non-polar, at codon 1501 of the SCN9A protein (p.Val1501Gly). This variant is present in population databases (no rsID available, gnomAD 0.004%). This variant has not been reported in the literature in individuals affected with SCN9A-related conditions. Advanced modeling of protein sequence and biophysical properties (such as structural, functional, and spatial information, amino acid conservation, physicochemical variation, residue mobility, and thermodynamic stability) has been performed at Invitae for this missense variant, however the output from this modeling did not meet the statistical confidence thresholds required to predict the impact of this variant on SCN9A protein function. In summary, the available evidence is currently insufficient to determine the role of this variant in disease. Therefore, it has been classified as a Variant of Uncertain Significance.

NM_001365536.1(SCN9A):c.4535T>G (p.Val1512Gly)

Genes: SCN1A-AS1 (SCN1A and SCN9A antisense RNA 1; plus strand), SCN9A (sodium voltage-gated channel alpha subunit 9; minus strand). Cytogenetic location: 2q24.3.
Variant type: single nucleotide variant.
Coding change: c.4535T>G on transcript NM_001365536.1 (MANE Select); coding-DNA position 4535, T replaced by G.
Protein change: p.Val1512Gly; replaces valine 1512 with glycine.
Molecular consequence: missense variant.
Genome position (GRCh38, 1-based): chr2:166,204,194, A>C on the plus strand (T>G on the coding strand, the complement: SCN9A is on the minus strand). VCF-style: chr2-166204194-A-C. GRCh37 (hg19) VCF-style: chr2-167060704-A-C.
Other names: c.4502T>G, p.Val1501Gly (NM_002977.4); short protein forms V1512G, V1501G.
Identifiers: ClinVar variation 2939773 (VCV002939773.3), dbSNP rs1273455956, ClinGen allele CA349057992.